The following is an entry in ClinVar:

NM_020693.4(DSCAML1):c.5824C>T (p.Arg1942Cys)

Gene: DSCAML1 (DS cell adhesion molecule like 1; minus strand). Cytogenetic location: 11q23.3.
Variant type: single nucleotide variant.
Coding change: c.5824C>T on transcript NM_020693.4 (MANE Select); coding-DNA position 5824, C replaced by T.
Protein change: p.Arg1942Cys; replaces arginine 1942 with cysteine.
Molecular consequence: missense variant.
Genome position (GRCh38, 1-based): chr11:117,428,666, G>A on the plus strand (C>T on the coding strand, the complement: DSCAML1 is on the minus strand). VCF-style: chr11-117428666-G-A. GRCh37 (hg19) VCF-style: chr11-117299382-G-A.
Other names: short protein forms R1942C.
Identifiers: ClinVar variation 2901323 (VCV002901323.3), dbSNP rs753066184, ClinGen allele CA6295961.

ClinVar aggregate classification (germline): Uncertain significance (1 of 4 stars; one submission).

Allele frequency attached by ClinVar (database versions not stated): TOPMed 0.00001; gnomAD exomes 0.00002; ExAC 0.00005.
gnomAD v4.1: 27 of 1,612,496 alleles (0.0017%); highest among the groups gnomAD compares: Admixed American, 0.005%; no homozygotes.

Submission:

Labcorp Genetics (formerly Invitae), Labcorp
Classification: Uncertain significance. Last evaluated: 2023-01-09. Review status: criteria provided, single submitter. Criteria: Invitae Variant Classification Sherloc (09022015). Collection method: clinical testing. Allele origin: germline.
Comment: This sequence change replaces arginine, which is basic and polar, with cysteine, which is neutral and slightly polar, at codon 2002 of the DSCAML1 protein (p.Arg2002Cys). In summary, the available evidence is currently insufficient to determine the role of this variant in disease. Therefore, it has been classified as a Variant of Uncertain Significance. Algorithms developed to predict the effect of missense changes on protein structure and function are either unavailable or do not agree on the potential impact of this missense change (SIFT: "Deleterious"; PolyPhen-2: "Probably Damaging"; Align-GVGD: "Class C0"). This variant has not been reported in the literature in individuals affected with DSCAML1-related conditions. This variant is present in population databases (rs753066184, gnomAD 0.007%).